The following is an entry in ClinVar:

NM_001353345.2(SETD1B):c.2211G>A (p.Pro737=)

Gene: SETD1B (SET domain containing 1B, histone lysine methyltransferase; plus strand). Cytogenetic location: 12q24.31.
Variant type: single nucleotide variant.
Coding change: c.2211G>A on transcript NM_001353345.2 (MANE Select); coding-DNA position 2211, G replaced by A.
Protein change: p.Pro737=; no amino-acid change (proline 737 retained).
Molecular consequence: synonymous variant.
Genome position (GRCh38, 1-based): chr12:121,814,426, G>A. VCF-style: chr12-121814426-G-A. GRCh37 (hg19) VCF-style: chr12-122252332-G-A.
Identifiers: ClinVar variation 1694683 (VCV001694683.32), dbSNP rs996821667, ClinGen allele CA244641360.

ClinVar aggregate classification (germline): Likely benign. Review status: criteria provided, multiple submitters, no conflicts (2 of 4 stars). 2 submissions from 2 submitters: Likely benign (2). Last evaluated 2024-03-11.

Allele frequency attached by ClinVar (database versions not stated): gnomAD exomes 0.00003 and 0.00009; gnomAD 0.00006 and 0.00007; 1000 Genomes Project 30x 0.00016.
gnomAD v4.1: 33 of 915,550 alleles (0.0036%); highest among the groups gnomAD compares: African/African-American, 0.029%; no homozygotes.

Submissions (2):

Blueprint Genetics
Classification: Likely benign. Last evaluated: 2024-03-11. Review status: criteria provided, single submitter. Criteria: ACMG Guidelines, 2015. Collection method: clinical testing. Allele origin: germline.

CeGaT Center for Human Genetics Tuebingen
Classification: Likely benign. Last evaluated: 2022-04-01. Review status: criteria provided, single submitter. Criteria: CeGaT Center For Human Genetics Tuebingen Variant Classification Criteria Version 2. Collection method: clinical testing. Allele origin: germline. Affected: yes. Observed: 1 variant allele.
Comment: SETD1B: BP4, BP7